The following is an entry in ClinVar:

ClinVar aggregate classification (germline): Uncertain significance. Review status: criteria provided, multiple submitters, no conflicts (2 of 4 stars). 3 submissions from 3 submitters: Uncertain significance (2). 1 of the submissions does not count toward it. Last evaluated 2024-07-01.

Conditions:
Cardiovascular phenotype. Identifiers: MedGen CN230736.
Familial long QT syndrome (RWS). Also called: Congenital long QT syndrome; Romano-Ward syndrome; VENTRICULAR FIBRILLATION WITH PROLONGED QT INTERVAL. Identifiers: Orphanet 768, MedGen C1141890, MONDO:0019171.

gnomAD v4.1: 4 of 1,418,074 alleles (0.00028%); highest among the groups gnomAD compares: Non-Finnish European, 0.00037%; no homozygotes.

Submissions (3):

CeGaT Center for Human Genetics Tuebingen
Classification: Uncertain significance. Last evaluated: 2024-07-01. Review status: criteria provided, single submitter. Criteria: CeGaT Center For Human Genetics Tuebingen Variant Classification Criteria Version 2. Collection method: clinical testing. Allele origin: germline. Affected: yes. Observed: 1 variant allele.
Comment: KCNH2: PM2, PS4:Moderate, PP3

Ambry Genetics
Classification: Uncertain significance for Cardiovascular phenotype. Last evaluated: 2023-05-18. Review status: criteria provided, single submitter. Criteria: Ambry General Variant Classification Scheme_2022. Collection method: clinical testing. Allele origin: germline.
Comment: The p.P241L variant (also known as c.722C>T), located in coding exon 4 of the KCNH2 gene, results from a C to T substitution at nucleotide position 722. The proline at codon 241 is replaced by leucine, an amino acid with similar properties. This alteration has been reported in long QT syndrome cohorts (Shimizu W et al. J Am Coll Cardiol, 2009 Nov;54:2052-62; Walsh R et al. Genet Med, 2021 Jan;23:47-58). Limited functional studies have demonstrated membrane expression that is similar to wild-type levels (Perry MD et al. J Physiol, 2016 Jul;594:4031-49; Mattivi CL et al. Heart Rhythm, 2020 Feb;17:315-323). This amino acid position is well conserved in available vertebrate species. In addition, the in silico prediction for this alteration is inconclusive. Since supporting evidence is limited at this time, the clinical significance of this alteration remains unclear.

Cardiovascular Biomedical Research Unit, Royal Brompton & Harefield NHS Foundation Trust
No classification provided. Condition: Familial long QT syndrome. Review status: no classification provided. Collection method: literature only. Allele origin: germline. Not counted in ClinVar's aggregate classification.
Comment: This variant has been reported as associated with Long QT syndrome in the following publications (PMID:19926013). This is a literature report, and does not necessarily reflect the clinical interpretation of the Imperial College / Royal Brompton Cardiovascular Genetics laboratory.

Literature cited by the submitters: PubMed 19926013 (cited by Ambry Genetics and Cardiovascular Biomedical Research Unit, Royal Brompton & Harefield NHS Foundation Trust); PubMed 26958806 (cited by Ambry Genetics); PubMed 31493592 (cited by Ambry Genetics); PubMed 32893267 (cited by Ambry Genetics); PubMed 22581653 (cited by Cardiovascular Biomedical Research Unit, Royal Brompton & Harefield NHS Foundation Trust).

NM_000238.4(KCNH2):c.722C>T (p.Pro241Leu)

Gene: KCNH2 (potassium voltage-gated channel subfamily H member 2; minus strand). Cytogenetic location: 7q36.1.
Variant type: single nucleotide variant.
Coding change: c.722C>T on transcript NM_000238.4 (MANE Select); coding-DNA position 722, C replaced by T.
Protein change: p.Pro241Leu; replaces proline 241 with leucine.
Molecular consequence: missense variant.
Genome position (GRCh38, 1-based): chr7:150,958,253, G>A on the plus strand (C>T on the coding strand, the complement: KCNH2 is on the minus strand). VCF-style: chr7-150958253-G-A. GRCh37 (hg19) VCF-style: chr7-150655341-G-A.
Other names: c.722C>T (LRG_288t1); c.434C>T, p.Pro145Leu (NM_001406753.1, NM_001406756.1); c.545C>T, p.Pro182Leu (NM_001406755.1); c.422C>T, p.Pro141Leu (NM_001406757.1); c.722C>T, p.Pro241Leu (NM_172056.3); short protein forms P241L, P145L, P141L, P182L.
Identifiers: ClinVar variation 67520 (VCV000067520.21), dbSNP rs199472871, ClinGen allele CA008711.